The following is an entry in ClinVar:

NM_000110.4(DPYD):c.1863G>A (p.Trp621Ter)

Gene: DPYD (dihydropyrimidine dehydrogenase; minus strand). Cytogenetic location: 1p21.3.
Variant type: single nucleotide variant.
Coding change: c.1863G>A on transcript NM_000110.4 (MANE Select); coding-DNA position 1863, G replaced by A.
Protein change: p.Trp621Ter; replaces tryptophan 621 with a stop codon.
Molecular consequence: nonsense.
Genome position (GRCh38, 1-based): chr1:97,450,101, C>T on the plus strand (G>A on the coding strand, the complement: DPYD is on the minus strand). VCF-style: chr1-97450101-C-T. GRCh37 (hg19) VCF-style: chr1-97915657-C-T.
Other names: short protein forms W621*.
Identifiers: ClinVar variation 370307 (VCV000370307.6), dbSNP rs1057516388, ClinGen allele CA16040800.

ClinVar aggregate classification (germline): Likely pathogenic. Review status: criteria provided, multiple submitters, no conflicts (2 of 4 stars). 4 submissions from 4 submitters: Likely pathogenic (3). 1 of the submissions does not count toward it. Last evaluated 2023-06-21.

Conditions:
Dihydropyrimidine dehydrogenase deficiency (DPYDD). Also called: DPD DEFICIENCY; DPYD DEFICIENCY; Hereditary Thymine-Uraciluria. Identifiers: Orphanet 1675, MedGen C1959620, MONDO:0010130, OMIM 274270.

Allele frequency attached by ClinVar (database versions not stated): gnomAD exomes 0.00001; TOPMed below 0.00001; gnomAD 0.00001.
gnomAD v4.1: 7 of 1,613,830 alleles (0.00043%); highest among the groups gnomAD compares: Admixed American, 0.0067%; no homozygotes.

Submissions (4):

GeneDx
Classification: Likely pathogenic. Last evaluated: 2023-06-21. Review status: criteria provided, single submitter. Criteria: GeneDx Variant Classification Process June 2021. Collection method: clinical testing. Allele origin: germline. Affected: yes.
Comment: De novo variant in a patient with schizoaffective disorder, however, it is unclear if this patient had variants identified in other genes, and additional research is needed to explore this possible association (Xu et al., 2011); Nonsense variant predicted to result in protein truncation or nonsense mediated decay in a gene for which loss of function is a known mechanism of disease; Not observed at significant frequency in large population cohorts (gnomAD); This variant is associated with the following publications: (PMID: 23042115, 31589614, 25420024)

Genome-Nilou Lab
Classification: Likely pathogenic for Dihydropyrimidine dehydrogenase deficiency. Last evaluated: 2023-04-11. Review status: criteria provided, single submitter. Criteria: ACMG Guidelines, 2015. Collection method: clinical testing. Allele origin: germline. Affected: no.

Women's Health and Genetics/Laboratory Corporation of America, LabCorp
Classification: Likely pathogenic for Dihydropyrimidine dehydrogenase deficiency. Last evaluated: 2020-12-02. Review status: criteria provided, single submitter. Criteria: LabCorp Variant Classification Summary - May 2015. Collection method: clinical testing. Allele origin: germline.
Comment: Variant summary: DPYD c.1863G>A (p.Trp621X) results in a premature termination codon, predicted to cause a truncation of the encoded protein or absence of the protein due to nonsense mediated decay, which are commonly known mechanisms for disease. The variant allele was found at a frequency of 1.2e-05 in 251336 control chromosomes. c.1863G>A has been reported in the literature as a de-novo mutation in an individual affected with schizophrenia (e.g. Xu_2012). The variant was also found in a cancer patient who experienced toxicity following treatment with fluoropyrimidine (e.g. Yokoi_2020). These data do not allow any conclusion about variant significance. To our knowledge, no experimental evidence demonstrating an impact on protein function has been reported. One clinical diagnostic laboratory has submitted clinical-significance assessments for this variant to ClinVar after 2014 without evidence for independent evaluation and cited the variant as likely pathogenic. Based on the evidence outlined above, the variant was classified as likely pathogenic.

Counsyl
Classification: Likely pathogenic for Dihydropyrimidine dehydrogenase deficiency. Last evaluated: 2016-01-07. Review status: no assertion criteria provided. Collection method: clinical testing. Allele origin: unknown. Not counted in ClinVar's aggregate classification.

Literature cited by the submitters: PubMed 25420024 (cited by Women's Health and Genetics/Laboratory Corporation of America, LabCorp); PubMed 23042115 (cited by Women's Health and Genetics/Laboratory Corporation of America, LabCorp); PubMed 32619063 (cited by Women's Health and Genetics/Laboratory Corporation of America, LabCorp).